The following is an entry in ClinVar:

NM_005045.4(RELN):c.2466A>C (p.Arg822Ser)

Gene: RELN (reelin; minus strand). Cytogenetic location: 7q22.1.
Variant type: single nucleotide variant.
Coding change: c.2466A>C on transcript NM_005045.4 (MANE Select); coding-DNA position 2466, A replaced by C.
Protein change: p.Arg822Ser; replaces arginine 822 with serine.
Molecular consequence: missense variant.
Genome position (GRCh38, 1-based): chr7:103,630,176, T>G on the plus strand (A>C on the coding strand, the complement: RELN is on the minus strand). VCF-style: chr7-103630176-T-G. GRCh37 (hg19) VCF-style: chr7-103270623-T-G.
Other names: c.2466A>C (NM_005045.3); c.2466A>C, p.Arg822Ser (NM_173054.3); short protein forms R822S.
Identifiers: ClinVar variation 1384756 (VCV001384756.11), dbSNP rs779002595, ClinGen allele CA4421987.
Genomic context (GRCh38, chr7:103,630,176, plus strand): 5'-CCACCATCTGAACTGAATTCCAAACTGCTTTGCATCACCTGGTAGTTCTACGGAGATTAT[T>G]CTAGAGAAAAAAAAAAAGTCAAAATTTAGATTATTTTGGTATCTTAAAACACAAATATTT-3'
Protein context (NP_005036.2, residues 812-832): HYSYLSYHEP[Arg822Ser]IISVELPGDA

ClinVar aggregate classification (germline): Uncertain significance. Review status: criteria provided, multiple submitters, no conflicts (2 of 4 stars). 3 submissions from 3 submitters: Uncertain significance (3). Last evaluated 2025-07-15.

Conditions:
Norman-Roberts syndrome (LIS2). Also called: Lissencephaly 2 (Norman-Roberts type). Identifiers: Orphanet 89844, MedGen C0796089, MONDO:0009760, OMIM 257320.
Familial temporal lobe epilepsy 7. Identifiers: Orphanet 101046, MedGen C4225327, MONDO:0014639, OMIM 616436.
Inborn genetic diseases. Identifiers: MedGen C0950123, MeSH D030342.

Allele frequency attached by ClinVar (database versions not stated): ExAC 0.00001; gnomAD exomes 0.00001; gnomAD 0.00002 and 0.00004.
gnomAD v4.1: 6 of 1,599,176 alleles (0.00038%); highest among the groups gnomAD compares: African/African-American, 0.004%; no homozygotes.

Submissions (3):

Labcorp Genetics (formerly Invitae), Labcorp
Classification: Uncertain significance for Familial temporal lobe epilepsy 7; Norman-Roberts syndrome. Last evaluated: 2025-07-15. Review status: criteria provided, single submitter. Criteria: Invitae Variant Classification Sherloc (09022015). Collection method: clinical testing. Allele origin: germline.
Comment: This sequence change replaces arginine, which is basic and polar, with serine, which is neutral and polar, at codon 822 of the RELN protein (p.Arg822Ser). The frequency data for this variant in the population databases is considered unreliable, as metrics indicate poor data quality at this position in the gnomAD database. This variant has not been reported in the literature in individuals affected with RELN-related conditions. ClinVar contains an entry for this variant (Variation ID: 1384756). An algorithm developed to predict the effect of missense changes on protein structure and function (PolyPhen-2) suggests that this variant is likely to be disruptive. In summary, the available evidence is currently insufficient to determine the role of this variant in disease. Therefore, it has been classified as a Variant of Uncertain Significance.

Ambry Genetics
Classification: Uncertain significance for Inborn genetic diseases. Last evaluated: 2025-06-16. Review status: criteria provided, single submitter. Criteria: Ambry Variant Classification Scheme 2023. Collection method: clinical testing. Allele origin: germline.

New York Genome Center
Classification: Uncertain significance for Norman-Roberts syndrome; Familial temporal lobe epilepsy 7. Last evaluated: 2021-07-30. Review status: criteria provided, single submitter. Criteria: NYGC Assertion Criteria 2020. Collection method: clinical testing. Allele origin: germline. Observed: 1 heterozygote. Study: CSER-NYCKidSeq.
Comment: The heterozygous c.2466A>C (p.Arg822Ser) missense variant identified in the RELN gene has not been reported in affected individuals in the literature. The variant has 0.00003289 allele frequency in the gnomAD(v3) database (5 out of 152040 heterozygous alleles, no homozygotes) suggesting it is not a common benign variant in the populations represented in that database. The RELN gene has 65 exons, and this variant is located at the first nucleotide of exon 20 suggesting that it may affect the normal mRNA splicing. The variant affects an evolutionarily conserved residue and is predicted deleterious by multiple in silico prediction tools. Based on the available evidence, the heterozygous c.2466A>C (p.Arg822Ser) missense variant identified in the RELN gene is reported as a Variant of Uncertain Significance.